The following is an entry in ClinVar:

NM_002439.5(MSH3):c.2655+1G>T

Gene: MSH3 (mutS homolog 3; plus strand). Cytogenetic location: 5q14.1.
Variant type: single nucleotide variant.
Coding change: c.2655+1G>T on transcript NM_002439.5 (MANE Select); the canonical splice donor site of the intron after coding-DNA position 2655, G replaced by T.
Molecular consequence: splice donor variant.
Genome position (GRCh38, 1-based): chr5:80,792,845, G>T. VCF-style: chr5-80792845-G-T. GRCh37 (hg19) VCF-style: chr5-80088664-G-T.
Identifiers: ClinVar variation 2673482 (VCV002673482.1), dbSNP rs1580053768, ClinGen allele CA360273074.

ClinVar aggregate classification (germline): Likely pathogenic (1 of 4 stars; one submission).

Conditions:
Familial adenomatous polyposis 4 (FAP4). Also called: MSH3-related attenuated familial adenomatous polyposis. Identifiers: Orphanet 480536, MedGen C4310719, MONDO:0044300, OMIM 617100.

Submission:

Myriad Genetics, Inc.
Classification: Likely pathogenic for Familial adenomatous polyposis 4. Last evaluated: 2023-08-31. Review status: criteria provided, single submitter. Criteria: Myriad Autosomal Dominant, Autosomal Recessive and X-Linked Classification Criteria (2023). Collection method: clinical testing. Allele origin: unknown.
Comment: This variant is considered likely pathogenic. This variant occurs within a consensus splice junction and is predicted to result in abnormal mRNA splicing of either an out-of-frame exon or an in-frame exon necessary for protein stability and/or normal function.